The following is an entry in ClinVar:

NM_001040108.2(MLH3):c.3715G>A (p.Asp1239Asn)

Gene: MLH3 (mutL homolog 3; minus strand). Cytogenetic location: 14q24.3.
Variant type: single nucleotide variant.
Coding change: c.3715G>A on transcript NM_001040108.2 (MANE Select); coding-DNA position 3715, G replaced by A.
Protein change: p.Asp1239Asn; replaces aspartic acid 1239 with asparagine.
Molecular consequence: missense variant. On other transcripts: intron variant (1).
Genome position (GRCh38, 1-based): chr14:75,033,419, C>T on the plus strand (G>A on the coding strand, the complement: MLH3 is on the minus strand). VCF-style: chr14-75033419-C-T. GRCh37 (hg19) VCF-style: chr14-75500122-C-T.
Other names: c.3644-1240G>A (NM_014381.3); short protein forms D1239N.
Identifiers: ClinVar variation 2711992 (VCV002711992.3), dbSNP rs2503141542, ClinGen allele CA390425237.

ClinVar aggregate classification (germline): Uncertain significance (1 of 4 stars; one submission).

Conditions:
Colorectal cancer, hereditary nonpolyposis, type 7. Identifiers: Orphanet 144, MedGen C1858380, MONDO:0013725, OMIM 614385.

Submission:

Labcorp Genetics (formerly Invitae), Labcorp
Classification: Uncertain significance for Colorectal cancer, hereditary nonpolyposis, type 7. Last evaluated: 2023-08-09. Review status: criteria provided, single submitter. Criteria: Invitae Variant Classification Sherloc (09022015). Collection method: clinical testing. Allele origin: germline.
Comment: In summary, the available evidence is currently insufficient to determine the role of this variant in disease. Therefore, it has been classified as a Variant of Uncertain Significance. Variants that disrupt the consensus splice site are a relatively common cause of aberrant splicing (PMID: 17576681, 9536098). Algorithms developed to predict the effect of sequence changes on RNA splicing suggest that this variant may disrupt the consensus splice site. An algorithm developed to predict the effect of missense changes on protein structure and function (PolyPhen-2) suggests that this variant is likely to be tolerated. This variant has not been reported in the literature in individuals affected with MLH3-related conditions. This variant is not present in population databases (gnomAD no frequency). This sequence change replaces aspartic acid, which is acidic and polar, with asparagine, which is neutral and polar, at codon 1239 of the MLH3 protein (p.Asp1239Asn). This variant also falls at the last nucleotide of exon 7, which is part of the consensus splice site for this exon.

Literature cited by the submitters: PubMed 17576681; PubMed 9536098.